The following is an entry in ClinVar:

ClinVar aggregate classification (germline): Uncertain significance (1 of 4 stars; one submission).

Conditions:
Ataxia-telangiectasia syndrome (AT). Also called: Ataxia-telangiectasia, complementation group D; AT, COMPLEMENTATION GROUP C; Ataxia-telangiectasia; Ataxia telangiectasia (A-T); LOUIS-BAR SYNDROME; Cerebello-oculocutaneous telangiectasia. Identifiers: Orphanet 100, MedGen C0004135, MONDO:0008840, OMIM 208900.

Submission:

Labcorp Genetics (formerly Invitae), Labcorp
Classification: Uncertain significance for Ataxia-telangiectasia syndrome. Last evaluated: 2025-12-14. Review status: criteria provided, single submitter. Criteria: Invitae Variant Classification Sherloc (09022015). Collection method: clinical testing. Allele origin: germline.
Comment: This sequence change replaces cysteine, which is neutral and slightly polar, with glycine, which is neutral and non-polar, at codon 728 of the ATM protein (p.Cys728Gly). This variant is not present in population databases (gnomAD no frequency). This variant has not been reported in the literature in individuals affected with ATM-related conditions. Invitae Evidence Modeling of protein sequence and biophysical properties (such as structural, functional, and spatial information, amino acid conservation, physicochemical variation, residue mobility, and thermodynamic stability) indicates that this missense variant is not expected to disrupt ATM protein function with a negative predictive value of 95%. In summary, the available evidence is currently insufficient to determine the role of this variant in disease. Therefore, it has been classified as a Variant of Uncertain Significance.

NM_000051.4(ATM):c.2182T>G (p.Cys728Gly)

Gene: ATM (ATM serine/threonine kinase; plus strand). Cytogenetic location: 11q22.3.
Variant type: single nucleotide variant.
Coding change: c.2182T>G on transcript NM_000051.4 (MANE Select); coding-DNA position 2182, T replaced by G.
Protein change: p.Cys728Gly; replaces cysteine 728 with glycine.
Molecular consequence: missense variant.
Genome position (GRCh38, 1-based): chr11:108,256,272, T>G. VCF-style: chr11-108256272-T-G. GRCh37 (hg19) VCF-style: chr11-108126999-T-G.
Other names: c.2182T>G, p.Cys728Gly (NM_001351834.2); short protein forms C728G.
Identifiers: ClinVar variation 4747183 (VCV004747183.1).
Genomic context (GRCh38, chr11:108,256,272, plus strand): 5'-AAGATTACAAATTCAGAAACTCTTGTCCGGTGTTCACGTCTTTTGGTGGGTGTCCTTGGC[T>G]GCTACTGTTACATGGGTGTAATAGCTGAAGAGGAAGCATATAAGTCAGAATTATTCCAGA-3'
Protein context (NP_000042.3, residues 718-738): CSRLLVGVLG[Cys728Gly]YCYMGVIAEE